The following is an entry in ClinVar:

NM_001377.3(DYNC2H1):c.7268C>A (p.Ser2423Tyr)

Gene: DYNC2H1 (dynein cytoplasmic 2 heavy chain 1; plus strand). Cytogenetic location: 11q22.3.
Variant type: single nucleotide variant.
Coding change: c.7268C>A on transcript NM_001377.3 (MANE Select); coding-DNA position 7268, C replaced by A.
Protein change: p.Ser2423Tyr; replaces serine 2423 with tyrosine.
Molecular consequence: missense variant.
Genome position (GRCh38, 1-based): chr11:103,188,624, C>A. VCF-style: chr11-103188624-C-A. GRCh37 (hg19) VCF-style: chr11-103059353-C-A.
Other names: c.7268C>A, p.Ser2423Tyr (NM_001080463.2); short protein forms S2423Y.
Identifiers: ClinVar variation 446576 (VCV000446576.5), dbSNP rs1555062340, ClinGen allele CA382252961.

ClinVar aggregate classification (germline): Uncertain significance. Review status: criteria provided, single submitter (1 of 4 stars). 3 submissions from 3 submitters: Uncertain significance (1). 2 of the submissions do not count toward it. Last evaluated 2026-04-28.

Conditions:
Asphyxiating thoracic dystrophy 3. Also called: SHORT-RIB THORACIC DYSPLASIA 3 WITH OR WITHOUT POLYDACTYLY; POLYDACTYLY WITH NEONATAL CHONDRODYSTROPHY, TYPE I; SHORT-RIB THORACIC DYSPLASIA 3/6 WITH POLYDACTYLY, DIGENIC; Saldino-Noonan Syndrome; Short rib polydactyly syndrome 2B. Identifiers: Orphanet 474, Orphanet 93269, Orphanet 93270, Orphanet 93271, MedGen C0036069, MONDO:0013127, OMIM 613091.

Submissions (3):

Myriad Genetics, Inc.
Classification: Uncertain significance for Asphyxiating thoracic dystrophy 3. Last evaluated: 2026-04-28. Review status: criteria provided, single submitter. Criteria: Myriad Autosomal Dominant, Autosomal Recessive and X-Linked Classification Criteria (2023). Collection method: clinical testing. Allele origin: unknown.
Comment: NM_001377.2(DYNC2H1):c.7268C>A(S2423Y) is a missense variant classified as a variant of uncertain significance in the context of DYNC2H1-related disorders. S2423Y has been observed in a case with relevant disease (PMID: 29068549). Relevant functional assessments of this variant are not available in the literature. S2423Y has not been observed in referenced population frequency databases. In summary, there is insufficient evidence to classify NM_001377.2(DYNC2H1):c.7268C>A(S2423Y) as pathogenic or benign. Please note: this variant was assessed in the context of healthy population screening.

Dan Cohn Lab, University Of California Los Angeles
Classification: Pathogenic for Asphyxiating thoracic dystrophy 3. Last evaluated: 2017-06-01. Review status: no assertion criteria provided. Collection method: research. Allele origin: maternal. Affected: yes. Not counted in ClinVar's aggregate classification.

University of Washington Center for Mendelian Genomics, University of Washington
Classification: Likely pathogenic for Asphyxiating thoracic dystrophy 3. Review status: no assertion criteria provided. Collection method: research. Allele origin: inherited. Affected: yes. Not counted in ClinVar's aggregate classification.

Literature cited by the submitters: PubMed 29068549 (cited by 3 submitters).